The following is an entry in ClinVar:

ClinVar aggregate classification (germline): Uncertain significance (1 of 4 stars; one submission).

Submission:

GeneDx
Classification: Uncertain significance. Last evaluated: 2023-02-17. Review status: criteria provided, single submitter. Criteria: GeneDx Variant Classification Process June 2021. Collection method: clinical testing. Allele origin: germline. Affected: yes.
Comment: Not observed at significant frequency in large population cohorts (gnomAD); In silico analysis supports that this missense variant does not alter protein structure/function; Has not been previously published as pathogenic or benign to our knowledge

NM_001083619.3(GRIA2):c.142A>G (p.Met48Val)

Gene: GRIA2 (glutamate ionotropic receptor AMPA type subunit 2; plus strand). Cytogenetic location: 4q32.1.
Variant type: single nucleotide variant.
Coding change: c.142A>G on transcript NM_001083619.3 (MANE Select); coding-DNA position 142, A replaced by G.
Protein change: p.Met48Val; replaces methionine 48 with valine.
Molecular consequence: missense variant. On other transcripts: initiator codon variant (3).
Genome position (GRCh38, 1-based): chr4:157,221,720, A>G. VCF-style: chr4-157221720-A-G. GRCh37 (hg19) VCF-style: chr4-158142872-A-G.
Other names: c.142A>G, p.Met48Val (NM_000826.6); c.1A>G, p.Met1Val (NM_001083620.3, NM_001379000.3, NM_001379001.3); short protein forms M1V, M48V.
Identifiers: ClinVar variation 2576699 (VCV002576699.2), dbSNP rs2530256962, ClinGen allele CA358643429.